The following is an entry in ClinVar:

NM_152305.3(POGLUT1):c.803del (p.Leu268fs)

Gene: POGLUT1 (protein O-glucosyltransferase 1; plus strand). Cytogenetic location: 3q13.33.
Variant type: Deletion.
Coding change: c.803del on transcript NM_152305.3 (MANE Select); coding-DNA position 803, one base deleted (T; older notation c.803delT).
Protein change: p.Leu268fs; shifts the reading frame from leucine 268.
Molecular consequence: frameshift variant. On other transcripts: non-coding transcript variant (1).
Genome position (GRCh38, 1-based): chr3:119,490,556, T deleted. VCF-style (leftmost placement, unchanged base first): chr3-119490555-CT-C. GRCh37 (hg19) VCF-style: chr3-119209402-CT-C.
Other names: c.803delT, p.Leu268Argfs (NM_020231.3); short protein forms L268fs.
Identifiers: ClinVar variation 2098854 (VCV002098854.4), dbSNP rs765065009, ClinGen allele CA2554990.

ClinVar aggregate classification (germline): Pathogenic (1 of 4 stars; one submission).

Allele frequency attached by ClinVar (database versions not stated): gnomAD exomes below 0.00001; ExAC 0.00001; gnomAD 0.00001; TOPMed 0.00001.

Submission:

Labcorp Genetics (formerly Invitae), Labcorp
Classification: Pathogenic. Last evaluated: 2022-02-28. Review status: criteria provided, single submitter. Criteria: Invitae Variant Classification Sherloc (09022015). Collection method: clinical testing. Allele origin: germline.
Comment: This sequence change creates a premature translational stop signal (p.Leu268Argfs*7) in the POGLUT1 gene. It is expected to result in an absent or disrupted protein product. Loss-of-function variants in POGLUT1 are known to be pathogenic (PMID: 24387993). This variant is present in population databases (rs765065009, gnomAD 0.002%). This variant has not been reported in the literature in individuals affected with POGLUT1-related conditions. For these reasons, this variant has been classified as Pathogenic.

Literature cited by the submitters: PubMed 24387993.